The following is an entry in ClinVar:

NM_002180.3(IGHMBP2):c.1213C>T (p.Pro405Ser)

Gene: IGHMBP2 (immunoglobulin mu DNA binding protein 2; plus strand). Cytogenetic location: 11q13.3.
Variant type: single nucleotide variant.
Coding change: c.1213C>T on transcript NM_002180.3 (MANE Select); coding-DNA position 1213, C replaced by T.
Protein change: p.Pro405Ser; replaces proline 405 with serine.
Molecular consequence: missense variant.
Genome position (GRCh38, 1-based): chr11:68,929,335, C>T. VCF-style: chr11-68929335-C-T. GRCh37 (hg19) VCF-style: chr11-68696803-C-T.
Other names: short protein forms P405S.
Identifiers: ClinVar variation 1010569 (VCV001010569.8), dbSNP rs1004816448, ClinGen allele CA223405893.

ClinVar aggregate classification (germline): Uncertain significance. Review status: criteria provided, multiple submitters, no conflicts (2 of 4 stars). 2 submissions from 2 submitters: Uncertain significance (2). Last evaluated 2021-08-31.

Conditions:
Inborn genetic diseases. Identifiers: MedGen C0950123, MeSH D030342.
Charcot-Marie-Tooth disease axonal type 2S. Also called: CHARCOT-MARIE-TOOTH NEUROPATHY, TYPE 2S; CHARCOT-MARIE-TOOTH DISEASE, AXONAL, AUTOSOMAL RECESSIVE, TYPE 2S. Identifiers: Orphanet 443073, MedGen C4015349, MONDO:0014511, OMIM 616155.
Autosomal recessive distal spinal muscular atrophy 1. Also called: SEVERE INFANTILE AXONAL NEUROPATHY WITH RESPIRATORY FAILURE; SPINAL MUSCULAR ATROPHY, DIAPHRAGMATIC; NEURONOPATHY, DISTAL HEREDITARY MOTOR, HARDING TYPE VI; NEUROPATHY, DISTAL HEREDITARY MOTOR, AUTOSOMAL RECESSIVE 1; Spinal muscular atrophy with respiratory distress 1; HMN VI. Identifiers: Orphanet 98920, MedGen C1858517, MONDO:0011436, OMIM 604320.

Allele frequency attached by ClinVar (database versions not stated): gnomAD 0.00001 and 0.00002; gnomAD exomes 0.00001; TOPMed 0.00002.

Submissions (2):

Labcorp Genetics (formerly Invitae), Labcorp
Classification: Uncertain significance for Autosomal recessive distal spinal muscular atrophy 1; Charcot-Marie-Tooth disease axonal type 2S. Last evaluated: 2021-08-31. Review status: criteria provided, single submitter. Criteria: Invitae Variant Classification Sherloc (09022015). Collection method: clinical testing. Allele origin: germline.
Comment: This sequence change replaces proline with serine at codon 405 of the IGHMBP2 protein (p.Pro405Ser). The proline residue is highly conserved and there is a moderate physicochemical difference between proline and serine. This variant is not present in population databases (ExAC no frequency). This variant has not been reported in the literature in individuals affected with IGHMBP2-related conditions. ClinVar contains an entry for this variant (Variation ID: 1010569). Advanced modeling of protein sequence and biophysical properties (such as structural, functional, and spatial information, amino acid conservation, physicochemical variation, residue mobility, and thermodynamic stability) performed at Invitae indicates that this missense variant is expected to disrupt IGHMBP2 protein function. In summary, the available evidence is currently insufficient to determine the role of this variant in disease. Therefore, it has been classified as a Variant of Uncertain Significance.

Ambry Genetics
Classification: Uncertain significance for Inborn genetic diseases. Last evaluated: 2020-03-18. Review status: criteria provided, single submitter. Criteria: Ambry Variant Classification Scheme 2023. Collection method: clinical testing. Allele origin: germline.
Comment: The p.P405S variant (also known as c.1213C>T), located in coding exon 8 of the IGHMBP2 gene, results from a C to T substitution at nucleotide position 1213. The proline at codon 405 is replaced by serine, an amino acid with similar properties. This amino acid position is highly conserved in available vertebrate species. In addition, the in silico prediction for this alteration is inconclusive. Since supporting evidence is limited at this time, the clinical significance of this alteration remains unclear.